The following is an entry in ClinVar:

NM_020529.3(NFKBIA):c.306C>T (p.Ala102=)

Gene: NFKBIA (NFKB inhibitor alpha; minus strand). Cytogenetic location: 14q13.2.
Variant type: single nucleotide variant.
Coding change: c.306C>T on transcript NM_020529.3 (MANE Select); coding-DNA position 306, C replaced by T.
Protein change: p.Ala102=; no amino-acid change (alanine 102 retained).
Molecular consequence: synonymous variant.
Genome position (GRCh38, 1-based): chr14:35,403,720, G>A on the plus strand (C>T on the coding strand, the complement: NFKBIA is on the minus strand). VCF-style: chr14-35403720-G-A. GRCh37 (hg19) VCF-style: chr14-35872926-G-A.
Other names: p.Ala102=.
Identifiers: ClinVar variation 313115 (VCV000313115.35), dbSNP rs1050851, ClinGen allele CA7155528.
Genomic context (GRCh38, chr14:35,403,720, plus strand): 5'-GAGAGAACCCGGGCCAGGCAAGCGGCGCACCTGCTGCAGGTTGTTCTGGAAGTTGAGGAA[G>A]GCCAGGTCTCCCTTCACCTGGCGGATCACTTCCATGGTCAGTGCCTTTTCTTCATGGATG-3'
Protein context (NP_065390.1, residues 92-112): EVIRQVKGDL[Ala102=]FLNFQNNLQQ

ClinVar aggregate classification (germline): Benign. Review status: criteria provided, multiple submitters, no conflicts (2 of 4 stars). 9 submissions from 9 submitters: Benign (9). Last evaluated 2026-02-04.

Conditions:
Ectodermal dysplasia and immunodeficiency 2. Identifiers: Orphanet 238468, Orphanet 98813, MedGen C2677481, MONDO:0012806, OMIM 612132.

Allele frequency attached by ClinVar (database versions not stated): 1000 Genomes Project 0.10164; 1000 Genomes Project 30x 0.10431; TOPMed 0.14625; gnomAD 0.15413 and 0.15487; gnomAD exomes 0.16569 and 0.20954; ESP Exome Variant Server 0.17077; ExAC 0.17343.
gnomAD v4.1: 328,928 of 1,612,520 alleles (20%); highest among the groups gnomAD compares: Non-Finnish European, 23%; 36,461 homozygotes.

Submissions (9):

Labcorp Genetics (formerly Invitae), Labcorp
Classification: Benign for Ectodermal dysplasia and immunodeficiency 2. Last evaluated: 2026-02-04. Review status: criteria provided, single submitter. Criteria: Invitae Variant Classification Sherloc (09022015). Collection method: clinical testing. Allele origin: germline.

Women's Health and Genetics/Laboratory Corporation of America, LabCorp
Classification: Benign. Last evaluated: 2026-01-21. Review status: criteria provided, single submitter. Criteria: LabCorp Variant Classification Summary - May 2015. Collection method: clinical testing. Allele origin: germline.

ARUP Laboratories, Molecular Genetics and Genomics, ARUP Laboratories
Classification: Benign for Ectodermal dysplasia and immunodeficiency 2. Last evaluated: 2025-07-24. Review status: criteria provided, single submitter. Criteria: ARUP Molecular Germline Variant Investigation Process 2024. Collection method: clinical testing. Allele origin: germline.

Unidad de Genómica Garrahan, Hospital de Pediatría Garrahan
Classification: Benign. Last evaluated: 2023-11-12. Review status: criteria provided, single submitter. Criteria: ACMG Guidelines, 2015. Collection method: clinical testing. Allele origin: germline. Affected: no. Observed: 31 variant alleles.
Comment: This variant is classified as Benign based on local population frequency. This variant was detected in 32% of patients studied by a panel of primary immunodeficiencies. Number of patients: 31. Only high quality variants are reported.

GeneDx
Classification: Benign. Last evaluated: 2021-06-09. Review status: criteria provided, single submitter. Criteria: GeneDx Variant Classification Process June 2021. Collection method: clinical testing. Allele origin: germline. Affected: yes.

Mayo Clinic Laboratories, Mayo Clinic
Classification: Benign. Last evaluated: 2018-03-23. Review status: criteria provided, single submitter. Criteria: ACMG Guidelines, 2015. Collection method: clinical testing. Allele origin: germline. Observed: 44 variant alleles.

Illumina Laboratory Services, Illumina
Classification: Benign for Ectodermal dysplasia and immunodeficiency 2. Last evaluated: 2018-01-13. Review status: criteria provided, single submitter. Criteria: ICSL Variant Classification Criteria 13 December 2019. Collection method: clinical testing. Allele origin: germline.
Comment: This variant was observed in the ICSL laboratory as part of a predisposition screen in an ostensibly healthy population. It had not been previously curated by ICSL or reported in the Human Gene Mutation Database (HGMD: prior to June 1st, 2018), and was therefore a candidate for classification through an automated scoring system. Utilizing variant allele frequency, disease prevalence and penetrance estimates, and inheritance mode, an automated score was calculated to assess if this variant is too frequent to cause the disease. Based on the score and internal cut-off values, a variant classified as benign is not then subjected to further curation. The score for this variant resulted in a classification of benign for this disease.

Laboratory for Molecular Medicine, Mass General Brigham Personalized Medicine
Classification: Benign. Last evaluated: 2016-03-29. Review status: criteria provided, single submitter. Criteria: LMM Criteria. Collection method: clinical testing. Allele origin: germline.
Comment: Variant identified in a genome or exome case(s) and assessed due to predicted null impact of the variant or pathogenic assertions in the literature or databases. Disclaimer: This variant has not undergone full assessment. The following are preliminary notes: Frequency

Breakthrough Genomics
Classification: Benign. Review status: criteria provided, single submitter. Criteria: ACMG Guidelines, 2015. Collection method: not provided. Allele origin: germline. Inheritance: Autosomal dominant inheritance. Affected: yes.